The following is an entry in ClinVar:

NM_001351132.2(PEX5):c.1515C>T (p.Asp505=)

Gene: PEX5 (peroxisomal biogenesis factor 5; plus strand). Cytogenetic location: 12p13.31.
Variant type: single nucleotide variant.
Coding change: c.1515C>T on transcript NM_001351132.2 (MANE Select); coding-DNA position 1515, C replaced by T.
Protein change: p.Asp505=; no amino-acid change (aspartic acid 505 retained).
Molecular consequence: synonymous variant.
Genome position (GRCh38, 1-based): chr12:7,209,125, C>T. VCF-style: chr12-7209125-C-T. GRCh37 (hg19) VCF-style: chr12-7361721-C-T.
Other names: c.1515C>T (NM_001131025.1); c.1491C>T, p.Asp497= (NM_000319.5); c.1560C>T, p.Asp520= (NM_001131023.2); c.1404C>T, p.Asp468= (NM_001131024.2, NM_001351124.3, NM_001351126.2 and 7 more transcripts); c.1515C>T, p.Asp505= (NM_001131025.2, NM_001131026.2, NM_001300789.3 and 4 more transcripts); c.1449C>T, p.Asp483= (NM_001351135.3, NM_001351138.2); c.1506C>T, p.Asp502= (NM_001351136.2); c.1380C>T, p.Asp460= (NM_001351139.2, NM_001351140.2, NM_001374649.2).
Identifiers: ClinVar variation 2914198 (VCV002914198.4), dbSNP rs1172517089, ClinGen allele CA478186941.
Genomic context (GRCh38, chr12:7,209,125, plus strand): 5'-CATTGACCCTGATGTGCAGTGTGGCTTGGGAGTCCTTTTCAACCTGAGTGGGGAGTATGA[C>T]AAGGCCGTGGACTGCTTCACAGCTGCCCTCAGCGTTCGTCCCAATGTGAGCCCAGGGGAG-3'
Protein context (NP_001338061.1, residues 495-515): GVLFNLSGEY[Asp505=]KAVDCFTAAL

ClinVar aggregate classification (germline): Likely benign. Review status: criteria provided, single submitter (1 of 4 stars). 2 submissions from 2 submitters: Likely benign (1). 1 of the submissions does not count toward it. Last evaluated 2025-05-07.

Conditions:
Peroxisome biogenesis disorder 2B (PBD2B). Identifiers: Orphanet 44, MedGen C3550234, MONDO:0008736, OMIM 202370.
PEX5-related disorder. Also called: PEX5-Related Disorders; PEX5-related condition.

Allele frequency attached by ClinVar (database versions not stated): gnomAD exomes below 0.00001; TOPMed 0.00002.
gnomAD v4.1: 3 of 1,614,046 alleles (0.00019%); highest among the groups gnomAD compares: Admixed American, 0.0017%; no homozygotes.

Submissions (2):

Labcorp Genetics (formerly Invitae), Labcorp
Classification: Likely benign for Peroxisome biogenesis disorder 2B. Last evaluated: 2025-05-07. Review status: criteria provided, single submitter. Criteria: Invitae Variant Classification Sherloc (09022015). Collection method: clinical testing. Allele origin: germline.

PreventionGenetics, part of Exact Sciences
Classification: Likely benign for PEX5-related condition. Last evaluated: 2024-08-19. Review status: no assertion criteria provided. Collection method: clinical testing. Allele origin: germline. Not counted in ClinVar's aggregate classification.
Comment: This variant is classified as likely benign based on ACMG/AMP sequence variant interpretation guidelines (Richards et al. 2015 PMID: 25741868, with internal and published modifications).